The following is an entry in ClinVar:

NM_177924.5(ASAH1):c.62C>T (p.Ala21Val)

Gene: ASAH1 (N-acylsphingosine amidohydrolase 1; minus strand). Cytogenetic location: 8p22.
Variant type: single nucleotide variant.
Coding change: c.62C>T on transcript NM_177924.5 (MANE Select); coding-DNA position 62, C replaced by T.
Protein change: p.Ala21Val; replaces alanine 21 with valine.
Molecular consequence: missense variant. On other transcripts: intron variant (2).
Genome position (GRCh38, 1-based): chr8:18,083,997, G>A on the plus strand (C>T on the coding strand, the complement: ASAH1 is on the minus strand). VCF-style: chr8-18083997-G-A. GRCh37 (hg19) VCF-style: chr8-17941506-G-A.
Other names: c.126+679C>T (NM_004315.6, NM_001127505.3); short protein forms A21V.
Identifiers: ClinVar variation 1413973 (VCV001413973.8), dbSNP rs1344031968, ClinGen allele CA370435730.
Genomic context (GRCh38, chr8:18,083,997, plus strand): 5'-GCACCTGCACGCCCCTCTCTGCGCCTCGGCTCAAGCTCACTCACCGGCGGCGCGTGCTGC[G>A]CGACGGCACAGCTGACGGCGGCAGCCAGGAGGACTAAGGCGACGCAACTCCGGCCCGGCA-3'
Protein context (NP_808592.2, residues 11-31): LLAAAVSCAV[Ala21Val]QHAPPWTEDC

ClinVar aggregate classification (germline): Uncertain significance (1 of 4 stars; one submission).

Allele frequency attached by ClinVar (database versions not stated): TOPMed 0.00001.
gnomAD v4.1: 2 of 1,598,068 alleles (0.00013%); highest among the groups gnomAD compares: Non-Finnish European, 0.00017%; no homozygotes.

Submission:

Labcorp Genetics (formerly Invitae), Labcorp
Classification: Uncertain significance. Last evaluated: 2024-07-29. Review status: criteria provided, single submitter. Criteria: Invitae Variant Classification Sherloc (09022015). Collection method: clinical testing. Allele origin: germline.
Comment: This sequence change replaces alanine, which is neutral and non-polar, with valine, which is neutral and non-polar, at codon 21 of the ASAH1 protein (p.Ala21Val). This variant is not present in population databases (gnomAD no frequency). This variant has not been reported in the literature in individuals affected with ASAH1-related conditions. ClinVar contains an entry for this variant (Variation ID: 1413973). An algorithm developed to predict the effect of missense changes on protein structure and function (PolyPhen-2) suggests that this variant is likely to be disruptive. In summary, the available evidence is currently insufficient to determine the role of this variant in disease. Therefore, it has been classified as a Variant of Uncertain Significance.